The following is an entry in ClinVar:

NM_000147.5(FUCA1):c.389+6T>C

Genes: FUCA1 (alpha-L-fucosidase 1; minus strand), LOC129929685 (ATAC-STARR-seq lymphoblastoid silent region 427; plus strand). Cytogenetic location: 1p36.11.
Variant type: single nucleotide variant.
Coding change: c.389+6T>C on transcript NM_000147.5 (MANE Select); 6 bases into the intron after coding-DNA position 389, T replaced by C.
Molecular consequence: intron variant.
Genome position (GRCh38, 1-based): chr1:23,867,892, A>G on the plus strand (T>C on the coding strand, the complement: FUCA1 is on the minus strand). VCF-style: chr1-23867892-A-G. GRCh37 (hg19) VCF-style: chr1-24194382-A-G.
Identifiers: ClinVar variation 1512408 (VCV001512408.6), dbSNP rs577790391, ClinGen allele CA19283227.

ClinVar aggregate classification (germline): Uncertain significance (1 of 4 stars; one submission).

Conditions:
Fucosidosis. Also called: ALPHA-L-FUCOSIDASE DEFICIENCY. Identifiers: Orphanet 349, MedGen C0016788, MONDO:0009254, OMIM 230000.

Allele frequency attached by ClinVar (database versions not stated): gnomAD exomes below 0.00001; gnomAD 0.00001; 1000 Genomes Project 30x 0.00016; 1000 Genomes Project 0.00020.
gnomAD v4.1: 2 of 1,545,642 alleles (0.00013%); highest among the groups gnomAD compares: African/African-American, 0.0014%; no homozygotes.

Submission:

Labcorp Genetics (formerly Invitae), Labcorp
Classification: Uncertain significance for Fucosidosis. Last evaluated: 2026-01-05. Review status: criteria provided, single submitter. Criteria: Invitae Variant Classification Sherloc (09022015). Collection method: clinical testing. Allele origin: germline.
Comment: This sequence change falls in intron 1 of the FUCA1 gene. It does not directly change the encoded amino acid sequence of the FUCA1 protein. It affects a nucleotide within the consensus splice site. This variant is not present in population databases (gnomAD no frequency). This variant has not been reported in the literature in individuals affected with FUCA1-related conditions. ClinVar contains an entry for this variant (Variation ID: 1512408). Variants that disrupt the consensus splice site are a relatively common cause of aberrant splicing (PMID: 17576681, 9536098). Algorithms developed to predict the effect of sequence changes on RNA splicing suggest that this variant may create or strengthen a splice site. In summary, the available evidence is currently insufficient to determine the role of this variant in disease. Therefore, it has been classified as a Variant of Uncertain Significance.

Literature cited by the submitters: PubMed 17576681; PubMed 9536098.